The following is an entry in ClinVar:

NM_013447.4(ADGRE2):c.113C>T (p.Ser38Leu)

Gene: ADGRE2 (adhesion G protein-coupled receptor E2; minus strand). Cytogenetic location: 19p13.12.
Variant type: single nucleotide variant.
Coding change: c.113C>T on transcript NM_013447.4 (MANE Select); coding-DNA position 113, C replaced by T.
Protein change: p.Ser38Leu; replaces serine 38 with leucine.
Molecular consequence: missense variant.
Genome position (GRCh38, 1-based): chr19:14,774,024, G>A on the plus strand (C>T on the coding strand, the complement: ADGRE2 is on the minus strand). VCF-style: chr19-14774024-G-A. GRCh37 (hg19) VCF-style: chr19-14884836-G-A.
Other names: c.113C>T, p.Ser38Leu (NM_001271052.1, NM_152916.2, NM_152917.2); short protein forms S38L.
Identifiers: ClinVar variation 3627329 (VCV003627329.2).

ClinVar aggregate classification (germline): Uncertain significance (1 of 4 stars; one submission).

gnomAD v4.1: 7 of 1,613,886 alleles (0.00043%); highest among the groups gnomAD compares: Middle Eastern, 0.049%; no homozygotes.

Submission:

Labcorp Genetics (formerly Invitae), Labcorp
Classification: Uncertain significance. Last evaluated: 2024-05-01. Review status: criteria provided, single submitter. Criteria: Invitae Variant Classification Sherloc (09022015). Collection method: clinical testing. Allele origin: germline.
Comment: This sequence change replaces serine, which is neutral and polar, with leucine, which is neutral and non-polar, at codon 38 of the ADGRE2 protein (p.Ser38Leu). This variant is not present in population databases (gnomAD no frequency). This variant has not been reported in the literature in individuals affected with ADGRE2-related conditions. An algorithm developed to predict the effect of missense changes on protein structure and function (PolyPhen-2) suggests that this variant is likely to be tolerated. In summary, the available evidence is currently insufficient to determine the role of this variant in disease. Therefore, it has been classified as a Variant of Uncertain Significance.